The following is an entry in ClinVar:

NM_000143.4(FH):c.1041T>C (p.Ser347=)

Gene: FH (fumarate hydratase; minus strand). Cytogenetic location: 1q43.
Variant type: single nucleotide variant.
Coding change: c.1041T>C on transcript NM_000143.4 (MANE Select); coding-DNA position 1041, T replaced by C.
Protein change: p.Ser347=; no amino-acid change (serine 347 retained).
Molecular consequence: synonymous variant.
Genome position (GRCh38, 1-based): chr1:241,504,109, A>G on the plus strand (T>C on the coding strand, the complement: FH is on the minus strand). VCF-style: chr1-241504109-A-G. GRCh37 (hg19) VCF-style: chr1-241667409-A-G.
Identifiers: ClinVar variation 1129482 (VCV001129482.13), dbSNP rs748482867, ClinGen allele CA1478557.

ClinVar aggregate classification (germline): Benign/Likely benign. Review status: criteria provided, multiple submitters, no conflicts (2 of 4 stars). 4 submissions from 4 submitters: Benign (1); Likely benign (3). Last evaluated 2026-01-02.

Conditions:
Hereditary cancer-predisposing syndrome. Also called: Tumor predisposition; Hereditary Cancer Syndrome; Neoplastic Syndromes, Hereditary; Hereditary neoplastic syndrome. Identifiers: Orphanet 140162, MedGen C0027672, MeSH D009386, MONDO:0015356.
Hereditary leiomyomatosis and renal cell cancer. Also called: FH tumor predisposition syndrome; MULTIPLE CUTANEOUS AND UTERINE LEIOMYOMATA 1, WITH OR WITHOUT RENAL CELL CARCINOMA; Reed syndrome; Multiple cutaneous and uterine leiomyomatosis; Cutaneous leiomyomata with uterine leiomyomata; Leiomyoma, hereditary multiple, of skin. Identifiers: Orphanet 523, MedGen C1708350, MONDO:0007888, OMIM 150800, HP:0007437. Disease mechanism: loss of function.
FH-related disorder. Also called: FH-related disorders; FH-related condition.

Allele frequency attached by ClinVar (database versions not stated): gnomAD exomes below 0.00001 and 0.00001; ExAC 0.00001.

Submissions (4):

Labcorp Genetics (formerly Invitae), Labcorp
Classification: Likely benign. Last evaluated: 2026-01-02. Review status: criteria provided, single submitter. Criteria: Invitae Variant Classification Sherloc (09022015). Collection method: clinical testing. Allele origin: germline.

PreventionGenetics, part of Exact Sciences
Classification: Likely benign for FH-related condition. Last evaluated: 2025-03-31. Review status: criteria provided, single submitter. Criteria: ACMG Guidelines, 2015. Collection method: clinical testing. Allele origin: germline.
Comment: This variant is classified as likely benign based on ACMG/AMP sequence variant interpretation guidelines (Richards et al. 2015 PMID: 25741868, with internal and published modifications).

Myriad Genetics, Inc.
Classification: Benign for Hereditary leiomyomatosis and renal cell cancer. Last evaluated: 2024-10-21. Review status: criteria provided, single submitter. Criteria: Myriad Autosomal Dominant, Autosomal Recessive and X-Linked Classification Criteria (2023). Collection method: clinical testing. Allele origin: unknown.
Comment: This variant is considered benign. This variant is a silent/synonymous amino acid change and it is not expected to impact splicing.

Ambry Genetics
Classification: Likely benign for Hereditary cancer-predisposing syndrome. Last evaluated: 2020-08-17. Review status: criteria provided, single submitter. Criteria: Ambry Variant Classification Scheme 2023. Collection method: clinical testing. Allele origin: germline.